The following is an entry in ClinVar:

NM_001145715.3(KPNA7):c.1285A>C (p.Ile429Leu)

Gene: KPNA7 (karyopherin subunit alpha 7; minus strand). Cytogenetic location: 7q22.1.
Variant type: single nucleotide variant.
Coding change: c.1285A>C on transcript NM_001145715.3 (MANE Select); coding-DNA position 1285, A replaced by C.
Protein change: p.Ile429Leu; replaces isoleucine 429 with leucine.
Molecular consequence: missense variant.
Genome position (GRCh38, 1-based): chr7:99,181,915, T>G on the plus strand (A>C on the coding strand, the complement: KPNA7 is on the minus strand). VCF-style: chr7-99181915-T-G. GRCh37 (hg19) VCF-style: chr7-98779538-T-G.
Other names: short protein forms I429L.
Identifiers: ClinVar variation 2037226 (VCV002037226.4), dbSNP rs1789266591, ClinGen allele CA368417827.

ClinVar aggregate classification (germline): Uncertain significance (1 of 4 stars; one submission).

Allele frequency attached by ClinVar (database versions not stated): TOPMed below 0.00001; gnomAD 0.00001.
gnomAD v4.1: 6 of 1,550,630 alleles (0.00039%); highest among the groups gnomAD compares: Non-Finnish European, 0.00052%; no homozygotes.

Submission:

Labcorp Genetics (formerly Invitae), Labcorp
Classification: Uncertain significance. Last evaluated: 2021-12-08. Review status: criteria provided, single submitter. Criteria: Invitae Variant Classification Sherloc (09022015). Collection method: clinical testing. Allele origin: germline.
Comment: In summary, the available evidence is currently insufficient to determine the role of this variant in disease. Therefore, it has been classified as a Variant of Uncertain Significance. This sequence change replaces isoleucine, which is neutral and non-polar, with leucine, which is neutral and non-polar, at codon 429 of the KPNA7 protein (p.Ile429Leu). This variant is not present in population databases (gnomAD no frequency). This variant has not been reported in the literature in individuals affected with KPNA7-related conditions. Algorithms developed to predict the effect of missense changes on protein structure and function output the following: SIFT: "Tolerated"; PolyPhen-2: "Possibly Damaging"; Align-GVGD: "Class C0". The leucine amino acid residue is found in multiple mammalian species, which suggests that this missense change does not adversely affect protein function.